The following is an entry in ClinVar:

NM_000575.5(IL1A):c.340G>T (p.Ala114Ser)

Gene: IL1A (interleukin 1 alpha; minus strand). Cytogenetic location: 2q14.1.
Variant type: single nucleotide variant.
Coding change: c.340G>T on transcript NM_000575.5 (MANE Select); coding-DNA position 340, G replaced by T.
Protein change: p.Ala114Ser; replaces alanine 114 with serine.
Molecular consequence: missense variant.
Genome position (GRCh38, 1-based): chr2:112,779,646, C>A on the plus strand (G>T on the coding strand, the complement: IL1A is on the minus strand). VCF-style: chr2-112779646-C-A. GRCh37 (hg19) VCF-style: chr2-113537223-C-A.
Other names: NC_000002.11:g.113537223C>A; c.340G>T, p.Ala114Ser (NM_001371554.1); short protein forms A114S.
Identifiers: ClinVar variation 3060243 (VCV003060243.3), dbSNP rs17561, ClinGen allele CA1837097.

ClinVar aggregate classification (germline): Benign (0 of 4 stars; one submission).

Conditions:
IL1A-related disorder. Also called: IL1A-related condition.

Allele frequency attached by ClinVar (database versions not stated): 1000 Genomes Project 0.21745; 1000 Genomes Project 30x 0.21877; TOPMed 0.24603; gnomAD 0.25574; ESP Exome Variant Server 0.26165; ExAC 0.27330.

Submissions (5):

PreventionGenetics, part of Exact Sciences
Classification: Benign for IL1A-related condition. Last evaluated: 2019-10-22. Review status: no assertion criteria provided. Collection method: clinical testing. Allele origin: germline.
Comment: This variant is classified as benign based on ACMG/AMP sequence variant interpretation guidelines (Richards et al. 2015 PMID: 25741868, with internal and published modifications).

Dr. Peter K. Rogan Lab, Western University
No classification provided (evidence only). Condition: Malignant lymphoma, large B-cell, diffuse. Review status: no classification provided. Collection method: in vitro. Allele origin: not applicable. Functional consequence: retained intron. Not counted in ClinVar's aggregate classification.

Dr. Peter K. Rogan Lab, Western University
No classification provided (evidence only). Condition: Malignant lymphoma, large B-cell, diffuse. Review status: no classification provided. Collection method: in vitro. Allele origin: not applicable. Functional consequence: retained intron. Not counted in ClinVar's aggregate classification.

Dr. Peter K. Rogan Lab, Western University
No classification provided (evidence only). Condition: Malignant lymphoma, large B-cell, diffuse. Review status: no classification provided. Collection method: in vitro. Allele origin: not applicable. Functional consequence: retained intron. Not counted in ClinVar's aggregate classification.

Dr. Peter K. Rogan Lab, Western University
No classification provided (evidence only). Condition: Uterine carcinosarcoma. Review status: no classification provided. Collection method: in vitro. Allele origin: not applicable. Functional consequence: retained intron. Not counted in ClinVar's aggregate classification.